The following is an entry in ClinVar:

ClinVar aggregate classification (germline): Uncertain significance. Review status: criteria provided, multiple submitters, no conflicts (2 of 4 stars). 4 submissions from 4 submitters: Uncertain significance (4). Last evaluated 2025-04-11.

Conditions:
Xanthinuria type II. Also called: Xanthine dehydrogenase and aldehyde oxidase combined deficiency of; XDH and AOX dual deficiency. Identifiers: Orphanet 3467, Orphanet 93602, MedGen C1863688, MONDO:0011346, OMIM 603592.

Allele frequency attached by ClinVar (database versions not stated): gnomAD 0.00010 and 0.00011; TOPMed 0.00012; ExAC 0.00004; gnomAD exomes 0.00003 and 0.00008.
gnomAD v4.1: 68 of 1,613,954 alleles (0.0042%); highest among the groups gnomAD compares: Middle Eastern, 0.13%; no homozygotes.

Submissions (4):

Ambry Genetics
Classification: Uncertain significance. Last evaluated: 2025-04-11. Review status: criteria provided, single submitter. Criteria: Ambry Variant Classification Scheme 2023. Collection method: clinical testing. Allele origin: germline.

Revvity Omics, Revvity
Classification: Uncertain significance for Xanthinuria type II. Last evaluated: 2024-10-28. Review status: criteria provided, single submitter. Criteria: ACMG Guidelines, 2015. Collection method: clinical testing. Allele origin: germline.

Labcorp Genetics (formerly Invitae), Labcorp
Classification: Uncertain significance for Xanthinuria type II. Last evaluated: 2022-07-14. Review status: criteria provided, single submitter. Criteria: Invitae Variant Classification Sherloc (09022015). Collection method: clinical testing. Allele origin: germline.
Comment: In summary, the available evidence is currently insufficient to determine the role of this variant in disease. Therefore, it has been classified as a Variant of Uncertain Significance. Algorithms developed to predict the effect of sequence changes on RNA splicing suggest that this variant may create or strengthen a splice site. Algorithms developed to predict the effect of missense changes on protein structure and function (SIFT, PolyPhen-2, Align-GVGD) all suggest that this variant is likely to be tolerated. ClinVar contains an entry for this variant (Variation ID: 651388). This variant has not been reported in the literature in individuals affected with MOCOS-related conditions. This variant is present in population databases (rs769839991, gnomAD 0.03%). This sequence change replaces asparagine, which is neutral and polar, with serine, which is neutral and polar, at codon 453 of the MOCOS protein (p.Asn453Ser).

Breakthrough Genomics
Classification: Uncertain significance. Review status: criteria provided, single submitter. Criteria: ACMG Guidelines, 2015. Collection method: not provided. Allele origin: germline. Inheritance: Autosomal recessive inheritance. Affected: yes.

NM_017947.4(MOCOS):c.1358A>G (p.Asn453Ser)

Gene: MOCOS (molybdenum cofactor sulfurase; plus strand). Cytogenetic location: 18q12.2.
Variant type: single nucleotide variant.
Coding change: c.1358A>G on transcript NM_017947.4 (MANE Select); coding-DNA position 1358, A replaced by G.
Protein change: p.Asn453Ser; replaces asparagine 453 with serine.
Molecular consequence: missense variant.
Genome position (GRCh38, 1-based): chr18:36,215,538, A>G. VCF-style: chr18-36215538-A-G. GRCh37 (hg19) VCF-style: chr18-33795501-A-G.
Other names: short protein forms N453S.
Identifiers: ClinVar variation 651388 (VCV000651388.12), dbSNP rs769839991, ClinGen allele CA8940720.